The following is an entry in ClinVar:

ClinVar aggregate classification (germline): Uncertain significance (1 of 4 stars; one submission).

Allele frequency attached by ClinVar (database versions not stated): gnomAD exomes 0.00001.
gnomAD v4.1: 10 of 1,613,362 alleles (0.00062%); highest among the groups gnomAD compares: Non-Finnish European, 0.00076%; no homozygotes.

Submission:

Labcorp Genetics (formerly Invitae), Labcorp
Classification: Uncertain significance. Last evaluated: 2022-10-23. Review status: criteria provided, single submitter. Criteria: Invitae Variant Classification Sherloc (09022015). Collection method: clinical testing. Allele origin: germline.
Comment: This sequence change replaces threonine, which is neutral and polar, with alanine, which is neutral and non-polar, at codon 778 of the AP3D1 protein (p.Thr778Ala). This variant is present in population databases (no rsID available, gnomAD 0.0009%). This variant has not been reported in the literature in individuals affected with AP3D1-related conditions. Algorithms developed to predict the effect of missense changes on protein structure and function (SIFT, PolyPhen-2, Align-GVGD) all suggest that this variant is likely to be tolerated. In summary, the available evidence is currently insufficient to determine the role of this variant in disease. Therefore, it has been classified as a Variant of Uncertain Significance.

NM_001261826.3(AP3D1):c.2332A>G (p.Thr778Ala)

Gene: AP3D1 (adaptor related protein complex 3 subunit delta 1; minus strand). Cytogenetic location: 19p13.3.
Variant type: single nucleotide variant.
Coding change: c.2332A>G on transcript NM_001261826.3 (MANE Select); coding-DNA position 2332, A replaced by G.
Protein change: p.Thr778Ala; replaces threonine 778 with alanine.
Molecular consequence: missense variant.
Genome position (GRCh38, 1-based): chr19:2,115,236, T>C on the plus strand (A>G on the coding strand, the complement: AP3D1 is on the minus strand). VCF-style: chr19-2115236-T-C. GRCh37 (hg19) VCF-style: chr19-2115235-T-C.
Other names: c.2332A>G, p.Thr778Ala (NM_001374799.1, NM_003938.8); short protein forms T778A.
Identifiers: ClinVar variation 1965634 (VCV001965634.5), dbSNP rs1413137608, ClinGen allele CA403212112.